The following is an entry in ClinVar:

ClinVar aggregate classification (germline): Uncertain significance (1 of 4 stars; one submission).

gnomAD v4.1: 2 of 1,613,878 alleles (0.00012%); highest among the groups gnomAD compares: African/African-American, 0.0013%; no homozygotes.

Submission:

Labcorp Genetics (formerly Invitae), Labcorp
Classification: Uncertain significance. Last evaluated: 2025-08-16. Review status: criteria provided, single submitter. Criteria: Invitae Variant Classification Sherloc (09022015). Collection method: clinical testing. Allele origin: germline.
Comment: This sequence change affects codon 390 of the CACNA1D mRNA. It is a 'silent' change, meaning that it does not change the encoded amino acid sequence of the CACNA1D protein. This variant is not present in population databases (gnomAD no frequency). This variant has not been reported in the literature in individuals affected with CACNA1D-related conditions. Algorithms developed to predict the effect of sequence changes on RNA splicing suggest that this variant may disrupt the consensus splice site. In summary, the available evidence is currently insufficient to determine the role of this variant in disease. Therefore, it has been classified as a Variant of Uncertain Significance.

NM_000720.4(CACNA1D):c.1170C>A (p.Ile390=)

Gene: CACNA1D (calcium voltage-gated channel subunit alpha1 D; plus strand). Cytogenetic location: 3p21.1.
Variant type: single nucleotide variant.
Coding change: c.1170C>A on transcript NM_000720.4 (MANE Plus Clinical); coding-DNA position 1170, C replaced by A.
Protein change: p.Ile390=; no amino-acid change (isoleucine 390 retained).
Molecular consequence: synonymous variant. On other transcripts: intron variant (2).
Genome position (GRCh38, 1-based): chr3:53,673,766, C>A. VCF-style: chr3-53673766-C-A. GRCh37 (hg19) VCF-style: chr3-53707793-C-A.
Other names: c.1220+640C>A (NM_001128840.3, NM_001128839.3).
Identifiers: ClinVar variation 4725456 (VCV004725456.1).